The following is an entry in ClinVar:

NM_000760.4(CSF3R):c.1331G>A (p.Ser444Asn)

Gene: CSF3R (colony stimulating factor 3 receptor; minus strand). Cytogenetic location: 1p34.3.
Variant type: single nucleotide variant.
Coding change: c.1331G>A on transcript NM_000760.4 (MANE Select); coding-DNA position 1331, G replaced by A.
Protein change: p.Ser444Asn; replaces serine 444 with asparagine.
Molecular consequence: missense variant.
Genome position (GRCh38, 1-based): chr1:36,469,795, C>T on the plus strand (G>A on the coding strand, the complement: CSF3R is on the minus strand). VCF-style: chr1-36469795-C-T. GRCh37 (hg19) VCF-style: chr1-36935396-C-T.
Other names: c.1331G>A, p.Ser444Asn (NM_156039.3, NM_172313.3); short protein forms S444N.
Identifiers: ClinVar variation 3624617 (VCV003624617.2).
Genomic context (GRCh38, chr1:36,469,795, plus strand): 5'-CCCCACTCAATCACATAGCCCTGAGGCCATGGATTGGGGGGCTCCCAGCCTACCCAGAGG[C>T]TGTGAGGGTCTCGGGCCATGGCATGGAGTCTGGTCAGAGCTGGGCCTGGAGACAGGGTGG-3'
Protein context (NP_000751.1, residues 434-454): RLHAMARDPH[Ser444Asn]LWVGWEPPNP

ClinVar aggregate classification (germline): Uncertain significance (1 of 4 stars; one submission).

Conditions:
Autosomal recessive severe congenital neutropenia due to CSF3R deficiency. Also called: Neutropenia, severe congenital, 7, autosomal recessive. Identifiers: Orphanet 420702, MedGen C4310764, MONDO:0014865, OMIM 617014.

gnomAD v4.1: 1 of 1,614,104 alleles (0.000062%); highest among the groups gnomAD compares: Non-Finnish European, 0.000085%; no homozygotes.

Submission:

Labcorp Genetics (formerly Invitae), Labcorp
Classification: Uncertain significance for Autosomal recessive severe congenital neutropenia due to CSF3R deficiency. Last evaluated: 2024-07-23. Review status: criteria provided, single submitter. Criteria: Invitae Variant Classification Sherloc (09022015). Collection method: clinical testing. Allele origin: germline.
Comment: This sequence change replaces serine, which is neutral and polar, with asparagine, which is neutral and polar, at codon 444 of the CSF3R protein (p.Ser444Asn). This variant is not present in population databases (gnomAD no frequency). This variant has not been reported in the literature in individuals affected with CSF3R-related conditions. Advanced modeling of protein sequence and biophysical properties (such as structural, functional, and spatial information, amino acid conservation, physicochemical variation, residue mobility, and thermodynamic stability) performed at Invitae indicates that this missense variant is not expected to disrupt CSF3R protein function with a negative predictive value of 80%. In summary, the available evidence is currently insufficient to determine the role of this variant in disease. Therefore, it has been classified as a Variant of Uncertain Significance.